The following is an entry in ClinVar:

ClinVar aggregate classification (germline): Uncertain significance (1 of 4 stars; one submission).

Allele frequency attached by ClinVar (database versions not stated): TOPMed below 0.00001; gnomAD exomes 0.00002.
gnomAD v4.1: 36 of 1,614,120 alleles (0.0022%); highest among the groups gnomAD compares: Non-Finnish European, 0.003%; no homozygotes.

Submission:

Labcorp Genetics (formerly Invitae), Labcorp
Classification: Uncertain significance. Last evaluated: 2022-11-03. Review status: criteria provided, single submitter. Criteria: Invitae Variant Classification Sherloc (09022015). Collection method: clinical testing. Allele origin: germline.
Comment: In summary, the available evidence is currently insufficient to determine the role of this variant in disease. Therefore, it has been classified as a Variant of Uncertain Significance. Algorithms developed to predict the effect of missense changes on protein structure and function are either unavailable or do not agree on the potential impact of this missense change (SIFT: "Deleterious"; PolyPhen-2: "Possibly Damaging"; Align-GVGD: "Class C0"). This variant has not been reported in the literature in individuals affected with TRIP12-related conditions. This variant is present in population databases (rs202122734, gnomAD 0.002%). This sequence change replaces glycine, which is neutral and non-polar, with arginine, which is basic and polar, at codon 167 of the TRIP12 protein (p.Gly167Arg).

NM_001348323.3(TRIP12):c.625G>C (p.Gly209Arg)

Gene: TRIP12 (thyroid hormone receptor interactor 12; minus strand). Cytogenetic location: 2q36.3.
Variant type: single nucleotide variant.
Coding change: c.625G>C on transcript NM_001348323.3 (MANE Select); coding-DNA position 625, G replaced by C.
Protein change: p.Gly209Arg; replaces glycine 209 with arginine.
Molecular consequence: missense variant. On other transcripts: intron variant (1).
Genome position (GRCh38, 1-based): chr2:229,859,174, C>G on the plus strand (G>C on the coding strand, the complement: TRIP12 is on the minus strand). VCF-style: chr2-229859174-C-G. GRCh37 (hg19) VCF-style: chr2-230723890-C-G.
Other names: c.625G>C, p.Gly209Arg (NM_001284214.2, NM_001348315.2, NM_001348319.1 and 15 more transcripts); c.499G>C, p.Gly167Arg (NM_001284215.2, NM_001348316.2, NM_001348317.1 and 3 more transcripts); c.98+20808G>C (NM_001284216.2); short protein forms G167R, G209R.
Identifiers: ClinVar variation 2884369 (VCV002884369.3), dbSNP rs202122734, ClinGen allele CA66715905.